The following is an entry in ClinVar:

ClinVar aggregate classification (germline): Uncertain significance (1 of 4 stars; one submission).

Conditions:
Hereditary spastic paraplegia 39 (SPG39). Also called: Spastic Paraplegia Type 39 (SPG39); SPASTIC PARAPLEGIA 39, AUTOSOMAL RECESSIVE. Identifiers: Orphanet 139480, MedGen C2677586, MONDO:0012787, OMIM 612020.

Submission:

Labcorp Genetics (formerly Invitae), Labcorp
Classification: Uncertain significance for Hereditary spastic paraplegia 39. Last evaluated: 2023-07-14. Review status: criteria provided, single submitter. Criteria: Invitae Variant Classification Sherloc (09022015). Collection method: clinical testing. Allele origin: germline.
Comment: In summary, the available evidence is currently insufficient to determine the role of this variant in disease. Therefore, it has been classified as a Variant of Uncertain Significance. Variants that disrupt the consensus splice site are a relatively common cause of aberrant splicing (PMID: 17576681, 9536098). Algorithms developed to predict the effect of sequence changes on RNA splicing suggest that this variant may disrupt the consensus splice site. This variant has not been reported in the literature in individuals affected with PNPLA6-related conditions. This variant is not present in population databases (gnomAD no frequency). This sequence change affects an acceptor splice site in intron 34 of the PNPLA6 gene. While this variant is not anticipated to result in nonsense mediated decay, it likely alters RNA splicing and results in a disrupted protein product.

Literature cited by the submitters: PubMed 17576681; PubMed 9536098.

NM_001166114.2(PNPLA6):c.4024-1G>A

Gene: PNPLA6 (patatin like domain 6, lysophospholipase; plus strand). Cytogenetic location: 19p13.2.
Variant type: single nucleotide variant.
Coding change: c.4024-1G>A on transcript NM_001166114.2 (MANE Select); the canonical splice acceptor site of the intron before coding-DNA position 4024, G replaced by A.
Molecular consequence: splice acceptor variant.
Genome position (GRCh38, 1-based): chr19:7,561,487, G>A. VCF-style: chr19-7561487-G-A. GRCh37 (hg19) VCF-style: chr19-7626373-G-A.
Other names: c.3910-1G>A (NM_006702.5, NM_001166113.1); c.3829-1G>A (NM_001166112.2); c.4054-1G>A (NM_001166111.2).
Identifiers: ClinVar variation 2878077 (VCV002878077.3), dbSNP rs1176635042, ClinGen allele CA403139789.